The following is an entry in ClinVar:

ClinVar aggregate classification (germline): Uncertain significance (1 of 4 stars; one submission).

Conditions:
Peroxisome biogenesis disorder 9B. Also called: PEX7-Related Refsum Disease; Refsum disease, adult, 2; PEROXISOME BIOGENESIS DISORDER, PEX7-RELATED, ATYPICAL. Identifiers: Orphanet 773, MedGen C2749346, MONDO:0013945, OMIM 614879.

Submission:

Labcorp Genetics (formerly Invitae), Labcorp
Classification: Uncertain significance for Peroxisome biogenesis disorder 9B. Last evaluated: 2024-09-23. Review status: criteria provided, single submitter. Criteria: Invitae Variant Classification Sherloc (09022015). Collection method: clinical testing. Allele origin: germline.
Comment: This sequence change replaces glycine, which is neutral and non-polar, with serine, which is neutral and polar, at codon 41 of the PEX7 protein (p.Gly41Ser). This variant is not present in population databases (gnomAD no frequency). This variant has not been reported in the literature in individuals affected with PEX7-related conditions. An algorithm developed to predict the effect of missense changes on protein structure and function (PolyPhen-2) suggests that this variant is likely to be disruptive. In summary, the available evidence is currently insufficient to determine the role of this variant in disease. Therefore, it has been classified as a Variant of Uncertain Significance.

NM_000288.4(PEX7):c.121G>A (p.Gly41Ser)

Gene: PEX7 (peroxisomal biogenesis factor 7; plus strand). Cytogenetic location: 6q23.3.
Variant type: single nucleotide variant.
Coding change: c.121G>A on transcript NM_000288.4 (MANE Select); coding-DNA position 121, G replaced by A.
Protein change: p.Gly41Ser; replaces glycine 41 with serine.
Molecular consequence: missense variant.
Genome position (GRCh38, 1-based): chr6:136,822,786, G>A. VCF-style: chr6-136822786-G-A. GRCh37 (hg19) VCF-style: chr6-137143924-G-A.
Other names: short protein forms G41S.
Identifiers: ClinVar variation 3706556 (VCV003706556.2).